The following is an entry in ClinVar:

ClinVar aggregate classification (germline): Uncertain significance (1 of 4 stars; one submission).

gnomAD v4.1: 1 of 1,614,040 alleles (0.000062%); highest among the groups gnomAD compares: African/African-American, 0.0013%; no homozygotes.

Submission:

GeneDx
Classification: Uncertain significance. Last evaluated: 2024-05-06. Review status: criteria provided, single submitter. Criteria: GeneDx Variant Classification Process June 2021. Collection method: clinical testing. Allele origin: germline. Affected: yes.
Comment: Not observed at significant frequency in large population cohorts (gnomAD); In silico analysis supports that this missense variant has a deleterious effect on protein structure/function; Has not been previously published as pathogenic or benign to our knowledge

NM_000123.4(ERCC5):c.623T>A (p.Met208Lys)

Genes: BIVM-ERCC5 (BIVM-ERCC5 readthrough; plus strand), ERCC5 (ERCC excision repair 5, endonuclease; plus strand). Cytogenetic location: 13q33.1.
Variant type: single nucleotide variant.
Coding change: c.623T>A on transcript NM_000123.4 (MANE Select); coding-DNA position 623, T replaced by A.
Protein change: p.Met208Lys; replaces methionine 208 with lysine.
Molecular consequence: missense variant.
Genome position (GRCh38, 1-based): chr13:102,858,369, T>A. VCF-style: chr13-102858369-T-A. GRCh37 (hg19) VCF-style: chr13-103510719-T-A.
Other names: c.1985T>A, p.Met662Lys (NM_001204425.2); short protein forms M208K, M662K.
Identifiers: ClinVar variation 3375935 (VCV003375935.1).